The following is an entry in ClinVar:

NM_000287.4(PEX6):c.890T>A (p.Leu297Ter)

Gene: PEX6 (peroxisomal biogenesis factor 6; minus strand). Cytogenetic location: 6p21.1.
Variant type: single nucleotide variant.
Coding change: c.890T>A on transcript NM_000287.4 (MANE Select); coding-DNA position 890, T replaced by A.
Protein change: p.Leu297Ter; replaces leucine 297 with a stop codon.
Molecular consequence: nonsense. On other transcripts: non-coding transcript variant (1).
Genome position (GRCh38, 1-based): chr6:42,975,031, A>T on the plus strand (T>A on the coding strand, the complement: PEX6 is on the minus strand). VCF-style: chr6-42975031-A-T. GRCh37 (hg19) VCF-style: chr6-42942769-A-T.
Other names: c.626T>A, p.Leu209Ter (NM_001316313.2); short protein forms L209*, L297*.
Identifiers: ClinVar variation 1725636 (VCV001725636.2), dbSNP rs1435802052, ClinGen allele CA364160336.
Genomic context (GRCh38, chr6:42,975,031, plus strand): 5'-AATGGAGGCCCAGGCAGCAATGAGCAGCTTCCTTTGTCTTCAGGGGCGATGGAGCCTTCC[A>T]AGTACCTCTATTAGAGAAATAACCACCACGTTATAACCTTCTCCTAAGGGGGCAGGCTCT-3'

ClinVar aggregate classification (germline): Likely pathogenic (1 of 4 stars; one submission).

Conditions:
Peroxisome biogenesis disorder 4A (Zellweger) (PBD4A). Also called: Zellweger syndrome spectrum (PEX6-related). Identifiers: Orphanet 912, MedGen C3553936, MONDO:0013930, OMIM 614862. Disease mechanism: loss of function.

Submission:

Myriad Genetics, Inc.
Classification: Likely pathogenic for Peroxisome biogenesis disorder 4A (Zellweger). Last evaluated: 2022-03-30. Review status: criteria provided, single submitter. Criteria: Myriad Women's Health Autosomal Recessive and X-Linked Classification Criteria (2021). Collection method: clinical testing. Allele origin: unknown.
Comment: NM_000287.3(PEX6):c.890T>A(L297*) is expected to be pathogenic in the context of peroxisome biogenesis disorder type 4. This variant is predicted to lead to an abnormal or absent protein product due to the creation of a premature termination codon in PEX6, a gene where loss-of-function variants are known to be pathogenic. Please note: this variant was assessed in the context of healthy population screening.